The following is an entry in ClinVar:

ClinVar aggregate classification (germline): Uncertain significance (1 of 4 stars; one submission).

Allele frequency attached by ClinVar (database versions not stated): TOPMed 0.00001; ExAC 0.00002; gnomAD 0.00002; gnomAD exomes 0.00007; ESP Exome Variant Server 0.00008.

Submission:

Labcorp Genetics (formerly Invitae), Labcorp
Classification: Uncertain significance. Last evaluated: 2023-12-10. Review status: criteria provided, single submitter. Criteria: Invitae Variant Classification Sherloc (09022015). Collection method: clinical testing. Allele origin: germline.
Comment: This sequence change replaces serine, which is neutral and polar, with arginine, which is basic and polar, at codon 195 of the HAND2 protein (p.Ser195Arg). This variant is present in population databases (rs368269900, gnomAD 0.005%). This variant has not been reported in the literature in individuals affected with HAND2-related conditions. ClinVar contains an entry for this variant (Variation ID: 1981696). An algorithm developed to predict the effect of missense changes on protein structure and function (PolyPhen-2) suggests that this variant is likely to be tolerated. In summary, the available evidence is currently insufficient to determine the role of this variant in disease. Therefore, it has been classified as a Variant of Uncertain Significance.

NM_021973.3(HAND2):c.585C>A (p.Ser195Arg)

Gene: HAND2 (heart and neural crest derivatives expressed 2; minus strand). Cytogenetic location: 4q34.1.
Variant type: single nucleotide variant.
Coding change: c.585C>A on transcript NM_021973.3 (MANE Select); coding-DNA position 585, C replaced by A.
Protein change: p.Ser195Arg; replaces serine 195 with arginine.
Molecular consequence: missense variant.
Genome position (GRCh38, 1-based): chr4:173,527,346, G>T on the plus strand (C>A on the coding strand, the complement: HAND2 is on the minus strand). VCF-style: chr4-173527346-G-T. GRCh37 (hg19) VCF-style: chr4-174448497-G-T.
Other names: short protein forms S195R.
Identifiers: ClinVar variation 1981696 (VCV001981696.4), dbSNP rs368269900, ClinGen allele CA3141248.